The following is an entry in ClinVar:

ClinVar aggregate classification (germline): Conflicting classifications of pathogenicity. Review status: criteria provided, conflicting classifications (1 of 4 stars). 3 submissions from 3 submitters: Uncertain significance (2); Likely benign (1). Last evaluated 2025-04-16.

Conditions:
Hereditary cancer-predisposing syndrome. Also called: Neoplastic Syndromes, Hereditary; Tumor predisposition; Hereditary Cancer Syndrome; Hereditary neoplastic syndrome. Identifiers: Orphanet 140162, MedGen C0027672, MeSH D009386, MONDO:0015356.
Familial adenomatous polyposis 2. Also called: Adenomas, multiple colorectal; MUTYH Polyposis; COLORECTAL ADENOMATOUS POLYPOSIS, AUTOSOMAL RECESSIVE; ADENOMAS, MULTIPLE COLORECTAL, AUTOSOMAL RECESSIVE; MUTYH-associated polyposis; MUTYH-related attenuated familial adenomatous polyposis. Identifiers: Orphanet 220460, Orphanet 247798, MedGen C3272841, MONDO:0012041, OMIM 608456.

gnomAD v4.1: 9 of 1,614,182 alleles (0.00056%); highest among the groups gnomAD compares: East Asian, 0.02%; no homozygotes.

Submissions (3):

Ambry Genetics
Classification: Likely benign for Hereditary cancer-predisposing syndrome. Last evaluated: 2025-04-16. Review status: criteria provided, single submitter. Criteria: Ambry Variant Classification Scheme 2023. Collection method: clinical testing. Allele origin: germline.

Labcorp Genetics (formerly Invitae), Labcorp
Classification: Uncertain significance for Familial adenomatous polyposis 2. Last evaluated: 2024-04-13. Review status: criteria provided, single submitter. Criteria: Invitae Variant Classification Sherloc (09022015). Collection method: clinical testing. Allele origin: germline.
Comment: This sequence change replaces isoleucine, which is neutral and non-polar, with leucine, which is neutral and non-polar, at codon 537 of the MUTYH protein (p.Ile537Leu). This variant is not present in population databases (gnomAD no frequency). This missense change has been observed in individual(s) with biliary tract cancer (PMID: 36243179). ClinVar contains an entry for this variant (Variation ID: 917668). Algorithms developed to predict the effect of missense changes on protein structure and function output the following: SIFT: "Not Available"; PolyPhen-2: "Benign"; Align-GVGD: "Not Available". The leucine amino acid residue is found in multiple mammalian species, which suggests that this missense change does not adversely affect protein function. In summary, the available evidence is currently insufficient to determine the role of this variant in disease. Therefore, it has been classified as a Variant of Uncertain Significance.

Women's Health and Genetics/Laboratory Corporation of America, LabCorp
Classification: Uncertain significance. Last evaluated: 2020-01-31. Review status: criteria provided, single submitter. Criteria: LabCorp Variant Classification Summary - May 2015. Collection method: clinical testing. Allele origin: germline.
Comment: Variant summary: MUTYH c.1609A>C (p.Ile537Leu) results in a conservative amino acid change in the encoded protein sequence. Four of five in-silico tools predict a benign effect of the variant on protein function. The variant was absent in 251496 control chromosomes. The available data on variant occurrences in the general population are insufficient to allow any conclusion about variant significance. To our knowledge, no occurrence of c.1609A>C in individuals affected with MUTYH-associated Polyposis and no experimental evidence demonstrating its impact on protein function have been reported. Co-occurrence with a pathogenic variant has been reported (PMS2 c.943C>T, p.R315*). No clinical diagnostic laboratories have submitted clinical-significance assessments for this variant to ClinVar after 2014. Based on the evidence outlined above, the variant was classified as uncertain significance.

Literature cited by the submitters: PubMed 36243179 (cited by Labcorp Genetics (formerly Invitae), Labcorp).

NM_001048174.2(MUTYH):c.1525A>C (p.Ile509Leu)

Gene: MUTYH (mutY DNA glycosylase; minus strand). Cytogenetic location: 1p34.1.
Variant type: single nucleotide variant.
Coding change: c.1525A>C on transcript NM_001048174.2 (MANE Select); coding-DNA position 1525, A replaced by C.
Protein change: p.Ile509Leu; replaces isoleucine 509 with leucine.
Molecular consequence: missense variant. On other transcripts: non-coding transcript variant (2).
Genome position (GRCh38, 1-based): chr1:45,329,347, T>G on the plus strand (A>C on the coding strand, the complement: MUTYH is on the minus strand). VCF-style: chr1-45329347-T-G. GRCh37 (hg19) VCF-style: chr1-45795019-T-G.
Other names: c.1525A>C, p.Ile509Leu (NM_001048171.2, NM_001048173.2, NM_001293195.2); c.1528A>C, p.Ile510Leu (NM_001048172.2); c.1609A>C, p.Ile537Leu (NM_001128425.2); c.1570A>C, p.Ile524Leu (NM_001293190.2); c.1558A>C, p.Ile520Leu (NM_001293191.2); c.1249A>C, p.Ile417Leu (NM_001293192.2, NM_001293196.2); c.1180A>C, p.Ile394Leu (NM_001350650.2, NM_001350651.2); c.1600A>C, p.Ile534Leu (NM_012222.3); short protein forms I524L, I509L, I520L, I534L, I394L, I417L, I510L, I537L.
Identifiers: ClinVar variation 917668 (VCV000917668.7), dbSNP rs757615745, ClinGen allele CA340131601.